The following is an entry in ClinVar:

ClinVar aggregate classification (germline): Uncertain significance (1 of 4 stars; one submission).

Conditions:
Renal carnitine transport defect (CDSP). Also called: Systemic primary carnitine deficiency disease; Primary carnitine deficiency; Carnitine transporter deficiency; Carnitine Deficiency, Systemic; CARNITINE DEFICIENCY, SYSTEMIC, DUE TO DEFECT IN RENAL REABSORPTION OF CARNITINE; CARNITINE TRANSPORTER, PLASMA-MEMBRANE, DEFICIENCY OF. Identifiers: Orphanet 158, MedGen C0342788, MONDO:0008919, OMIM 212140.

Submission:

Labcorp Genetics (formerly Invitae), Labcorp
Classification: Uncertain significance for Renal carnitine transport defect. Last evaluated: 2019-07-04. Review status: criteria provided, single submitter. Criteria: Invitae Variant Classification Sherloc (09022015). Collection method: clinical testing. Allele origin: germline.
Comment: This sequence change falls in intron 5 of the SLC22A5 gene. It does not directly change the encoded amino acid sequence of the SLC22A5 protein, but it affects a nucleotide within the consensus splice site of the intron. This variant is not present in population databases (ExAC no frequency). In summary, the available evidence is currently insufficient to determine the role of this variant in disease. Therefore, it has been classified as a Variant of Uncertain Significance. Nucleotide substitutions within the consensus splice site are a relatively common cause of aberrant splicing (PMID: 17576681, 9536098). Algorithms developed to predict the effect of sequence changes on RNA splicing suggest that this variant is not likely to affect RNA splicing, but this prediction has not been confirmed by published transcriptional studies. This variant has not been reported in the literature in individuals with SLC22A5-related conditions.

Literature cited by the submitters: PubMed 17576681; PubMed 9536098.

NM_003060.4(SLC22A5):c.951+5G>C

Gene: SLC22A5 (solute carrier family 22 member 5; plus strand). Cytogenetic location: 5q31.1.
Variant type: single nucleotide variant.
Coding change: c.951+5G>C on transcript NM_003060.4 (MANE Select); 5 bases into the intron after coding-DNA position 951, G replaced by C.
Molecular consequence: intron variant.
Genome position (GRCh38, 1-based): chr5:132,387,156, G>C. VCF-style: chr5-132387156-G-C. GRCh37 (hg19) VCF-style: chr5-131722848-G-C.
Other names: c.1023+5G>C (NM_001308122.2).
Identifiers: ClinVar variation 960471 (VCV000960471.7), dbSNP rs1752561167, ClinGen allele CA1139655906.